The following is an entry in ClinVar:

NM_000465.4(BARD1):c.1884C>G (p.Cys628Trp)

Gene: BARD1 (BRCA1 associated RING domain 1; minus strand). Cytogenetic location: 2q35.
Variant type: single nucleotide variant.
Coding change: c.1884C>G on transcript NM_000465.4 (MANE Select); coding-DNA position 1884, C replaced by G.
Protein change: p.Cys628Trp; replaces cysteine 628 with tryptophan.
Molecular consequence: missense variant. On other transcripts: non-coding transcript variant (3), intron variant (1).
Genome position (GRCh38, 1-based): chr2:214,745,086, G>C on the plus strand (C>G on the coding strand, the complement: BARD1 is on the minus strand). VCF-style: chr2-214745086-G-C. GRCh37 (hg19) VCF-style: chr2-215609810-G-C.
Other names: c.1827C>G, p.Cys609Trp (NM_001282543.2); c.531C>G, p.Cys177Trp (NM_001282545.2); c.474C>G, p.Cys158Trp (NM_001282548.2); c.365-14578C>G (NM_001282549.2); short protein forms C158W, C177W, C609W, C628W.
Identifiers: ClinVar variation 1331834 (VCV001331834.3), dbSNP rs2106018723, ClinGen allele CA350452086.

ClinVar aggregate classification (germline): Uncertain significance (1 of 4 stars; one submission).

Conditions:
Hereditary cancer-predisposing syndrome. Also called: Tumor predisposition; Hereditary Cancer Syndrome; Neoplastic Syndromes, Hereditary; Hereditary neoplastic syndrome. Identifiers: Orphanet 140162, MedGen C0027672, MeSH D009386, MONDO:0015356.

Submission:

Color Diagnostics, LLC DBA Color Health
Classification: Uncertain significance for Hereditary cancer-predisposing syndrome. Last evaluated: 2024-03-06. Review status: criteria provided, single submitter. Criteria: ACMG Guidelines, 2015. Collection method: clinical testing. Allele origin: germline.
Comment: This missense variant replaces cysteine with tryptophan at codon 628 of the BARD1 protein. Computational prediction suggests that this variant may not impact protein structure and function (internally defined REVEL score threshold <= 0.5, PMID: 27666373). To our knowledge, functional studies have not been reported for this variant. This variant has not been reported in individuals affected with hereditary cancer in the literature. This variant has not been identified in the general population by the Genome Aggregation Database (gnomAD). The available evidence is insufficient to determine the role of this variant in disease conclusively. Therefore, this variant is classified as a Variant of Uncertain Significance.